The following is an entry in ClinVar:

NM_002439.5(MSH3):c.2099C>T (p.Thr700Ile)

Gene: MSH3 (mutS homolog 3; plus strand). Cytogenetic location: 5q14.1.
Variant type: single nucleotide variant.
Coding change: c.2099C>T on transcript NM_002439.5 (MANE Select); coding-DNA position 2099, C replaced by T.
Protein change: p.Thr700Ile; replaces threonine 700 with isoleucine.
Molecular consequence: missense variant.
Genome position (GRCh38, 1-based): chr5:80,768,849, C>T. VCF-style: chr5-80768849-C-T. GRCh37 (hg19) VCF-style: chr5-80064668-C-T.
Other names: c.2099C>T (NM_002439.3); short protein forms T700I.
Identifiers: ClinVar variation 2146372 (VCV002146372.6), dbSNP rs1744168116, ClinGen allele CA360279214.

ClinVar aggregate classification (germline): Uncertain significance. Review status: criteria provided, multiple submitters, no conflicts (2 of 4 stars). 2 submissions from 2 submitters: Uncertain significance (2). Last evaluated 2024-08-05.

Conditions:
Hereditary cancer-predisposing syndrome. Also called: Tumor predisposition; Hereditary neoplastic syndrome; Hereditary Cancer Syndrome; Neoplastic Syndromes, Hereditary. Identifiers: Orphanet 140162, MedGen C0027672, MeSH D009386, MONDO:0015356.

Allele frequency attached by ClinVar (database versions not stated): gnomAD exomes below 0.00001; TOPMed below 0.00001.
gnomAD v4.1: 2 of 1,608,028 alleles (0.00012%); highest among the groups gnomAD compares: African/African-American, 0.0027%; no homozygotes.

Submissions (2):

Labcorp Genetics (formerly Invitae), Labcorp
Classification: Uncertain significance. Last evaluated: 2024-08-05. Review status: criteria provided, single submitter. Criteria: Invitae Variant Classification Sherloc (09022015). Collection method: clinical testing. Allele origin: germline.
Comment: This sequence change replaces threonine, which is neutral and polar, with isoleucine, which is neutral and non-polar, at codon 700 of the MSH3 protein (p.Thr700Ile). This variant is not present in population databases (gnomAD no frequency). This variant has not been reported in the literature in individuals affected with MSH3-related conditions. ClinVar contains an entry for this variant (Variation ID: 2146372). An algorithm developed to predict the effect of missense changes on protein structure and function (PolyPhen-2) suggests that this variant is likely to be disruptive. In summary, the available evidence is currently insufficient to determine the role of this variant in disease. Therefore, it has been classified as a Variant of Uncertain Significance.

Ambry Genetics
Classification: Uncertain significance for Hereditary cancer-predisposing syndrome. Last evaluated: 2023-01-03. Review status: criteria provided, single submitter. Criteria: Ambry Variant Classification Scheme 2023. Collection method: clinical testing. Allele origin: germline.
Comment: The p.T700I variant (also known as c.2099C>T), located in coding exon 15 of the MSH3 gene, results from a C to T substitution at nucleotide position 2099. The threonine at codon 700 is replaced by isoleucine, an amino acid with similar properties. This amino acid position is conserved. In addition, the in silico prediction for this alteration is inconclusive. Since supporting evidence is limited at this time, the clinical significance of this alteration remains unclear.